The following is an entry in ClinVar:

ClinVar aggregate classification (germline): Uncertain significance (1 of 4 stars; one submission).

gnomAD v4.1: 94 of 1,614,108 alleles (0.0058%); highest among the groups gnomAD compares: South Asian, 0.072%; no homozygotes.

Submission:

Ambry Genetics
Classification: Uncertain significance. Last evaluated: 2026-06-17. Review status: criteria provided, single submitter. Criteria: Ambry Variant Classification Scheme 2023. Collection method: clinical testing. Allele origin: germline.
Comment: The c.527A>G (p.N176S) alteration is located in exon 8 (coding exon 8) of the SH3PXD2A gene. This alteration results from a A to G substitution at nucleotide position 527, causing the asparagine (N) at amino acid position 176 to be replaced by a serine (S). Based on data from gnomAD, the G allele has an overall frequency of 0.008% (21/251398) total alleles studied. The highest observed frequency was 0.059% (18/30616) of South Asian alleles. Based on insufficient or conflicting evidence, the clinical significance of this alteration remains unclear.

NM_001394015.1(SH3PXD2A):c.527A>G (p.Asn176Ser)

Gene: SH3PXD2A (SH3 and PX domains 2A; minus strand). Cytogenetic location: 10q24.33.
Variant type: single nucleotide variant.
Coding change: c.527A>G on transcript NM_001394015.1 (MANE Select); coding-DNA position 527, A replaced by G.
Protein change: p.Asn176Ser; replaces asparagine 176 with serine.
Molecular consequence: missense variant.
Genome position (GRCh38, 1-based): chr10:103,661,060, T>C on the plus strand (A>G on the coding strand, the complement: SH3PXD2A is on the minus strand). VCF-style: chr10-103661060-T-C. GRCh37 (hg19) VCF-style: chr10-105420818-T-C.
Other names: c.170A>G, p.Asn57Ser (NM_001365079.1); c.158A>G, p.Asn53Ser (NM_001394016.1, NM_001394019.1); c.128A>G, p.Asn43Ser (NM_001394017.1); c.113A>G, p.Asn38Ser (NM_001394018.1, NM_001394021.1); c.32A>G, p.Asn11Ser (NM_001394020.1, NM_001394022.1, NM_001394023.1); c.527A>G, p.Asn176Ser (NM_014631.3); short protein forms N11S, N176S, N43S, N53S, N57S, N38S.
Identifiers: ClinVar variation 5029531 (VCV005029531.1).
Genomic context (GRCh38, chr10:103,661,060, plus strand): 5'-ATGACATCCACCACCTCCCCGGCCTGGAGGCTCAGCTCCGAGTTCTCCTGCTTCTTATAG[T>C]TGGACACCACCACGTACTGTTCCAGGATCATGGGCTCGGCGGTGGCGTCGGCACCTGGCG-3'
Protein context (NP_001380944.1, residues 166-186): MILEQYVVVS[Asn176Ser]YKKQENSELS